The following is an entry in ClinVar:

ClinVar aggregate classification (germline): Uncertain significance (1 of 4 stars; one submission).

Allele frequency attached by ClinVar (database versions not stated): gnomAD exomes below 0.00001.
gnomAD v4.1: 1 of 1,613,278 alleles (0.000062%); highest among the groups gnomAD compares: Non-Finnish European, 0.000085%; no homozygotes.

Submission:

Labcorp Genetics (formerly Invitae), Labcorp
Classification: Uncertain significance. Last evaluated: 2022-02-04. Review status: criteria provided, single submitter. Criteria: Invitae Variant Classification Sherloc (09022015). Collection method: clinical testing. Allele origin: germline.
Comment: This sequence change replaces arginine, which is basic and polar, with glycine, which is neutral and non-polar, at codon 13 of the RGS9 protein (p.Arg13Gly). This variant is not present in population databases (gnomAD no frequency). This variant has not been reported in the literature in individuals affected with RGS9-related conditions. Algorithms developed to predict the effect of missense changes on protein structure and function are either unavailable or do not agree on the potential impact of this missense change (SIFT: "Deleterious"; PolyPhen-2: "Benign"; Align-GVGD: "Class C0"). In summary, the available evidence is currently insufficient to determine the role of this variant in disease. Therefore, it has been classified as a Variant of Uncertain Significance.

NM_003835.4(RGS9):c.37A>G (p.Arg13Gly)

Gene: RGS9 (regulator of G protein signaling 9; plus strand). Cytogenetic location: 17q24.1.
Variant type: single nucleotide variant.
Coding change: c.37A>G on transcript NM_003835.4 (MANE Select); coding-DNA position 37, A replaced by G.
Protein change: p.Arg13Gly; replaces arginine 13 with glycine.
Molecular consequence: missense variant.
Genome position (GRCh38, 1-based): chr17:65,137,577, A>G. VCF-style: chr17-65137577-A-G. GRCh37 (hg19) VCF-style: chr17-63133695-A-G.
Other names: c.37A>G, p.Arg13Gly (NM_001081955.3, NM_001165933.2); short protein forms R13G.
Identifiers: ClinVar variation 1930078 (VCV001930078.5), dbSNP rs2509335799, ClinGen allele CA400660316.